The following is an entry in ClinVar:

ClinVar aggregate classification (germline): Benign/Likely benign. Review status: criteria provided, multiple submitters, no conflicts (2 of 4 stars). 4 submissions from 4 submitters: Benign (1); Likely benign (3). Last evaluated 2025-05-26.

Conditions:
BAP1-related tumor predisposition syndrome (TPDS1). Also called: Tumor susceptibility linked to germline BAP1 mutations; BAP1 tumor predisposition syndrome; COMMON Syndrome; TUMOR PREDISPOSITION SYNDROME 1. Identifiers: Orphanet 289539, MedGen C3280492, MONDO:0013692, OMIM 614327.
Hereditary cancer-predisposing syndrome. Also called: Tumor predisposition; Neoplastic Syndromes, Hereditary; Hereditary neoplastic syndrome; Hereditary Cancer Syndrome. Identifiers: Orphanet 140162, MedGen C0027672, MeSH D009386, MONDO:0015356.

Allele frequency attached by ClinVar (database versions not stated): gnomAD 0.00001.

Submissions (4):

Labcorp Genetics (formerly Invitae), Labcorp
Classification: Likely benign for BAP1-related tumor predisposition syndrome. Last evaluated: 2025-05-26. Review status: criteria provided, single submitter. Criteria: Invitae Variant Classification Sherloc (09022015). Collection method: clinical testing. Allele origin: germline.

Myriad Genetics, Inc.
Classification: Benign for BAP1-related tumor predisposition syndrome. Last evaluated: 2024-07-18. Review status: criteria provided, single submitter. Criteria: Myriad Autosomal Dominant, Autosomal Recessive and X-Linked Classification Criteria (2023). Collection method: clinical testing. Allele origin: unknown.
Comment: This variant is considered benign. This variant is a silent/synonymous amino acid change and it is not expected to impact splicing.

Ambry Genetics
Classification: Likely benign for Hereditary cancer-predisposing syndrome. Last evaluated: 2019-05-31. Review status: criteria provided, single submitter. Criteria: Ambry Variant Classification Scheme 2023. Collection method: clinical testing. Allele origin: germline.

Color Diagnostics, LLC DBA Color Health
Classification: Likely benign for Hereditary cancer-predisposing syndrome. Last evaluated: 2017-11-12. Review status: criteria provided, single submitter. Criteria: ACMG Guidelines, 2015. Collection method: clinical testing. Allele origin: germline.

NM_004656.4(BAP1):c.2166C>A (p.Arg722=)

Gene: BAP1 (BRCA1 associated deubiquitinase 1; minus strand). Cytogenetic location: 3p21.1.
Variant type: single nucleotide variant.
Coding change: c.2166C>A on transcript NM_004656.4 (MANE Select); coding-DNA position 2166, C replaced by A.
Protein change: p.Arg722=; no amino-acid change (arginine 722 retained).
Molecular consequence: synonymous variant.
Genome position (GRCh38, 1-based): chr3:52,402,312, G>T on the plus strand (C>A on the coding strand, the complement: BAP1 is on the minus strand). VCF-style: chr3-52402312-G-T. GRCh37 (hg19) VCF-style: chr3-52436328-G-T.
Identifiers: ClinVar variation 630790 (VCV000630790.12), dbSNP rs1230324368, ClinGen allele CA433885804.
Genomic context (GRCh38, chr3:52,402,312, plus strand): 5'-GGCAAGAGTGGGCTGCAGAGTCAGGGCCAGCAGTCCTCACTGGCGCTTGGCCTTGTAGGG[G>T]CGAGAGCGTTTCCGCCGGTCAGGCTTCCGCTGCTTGTGGAGCCGGCCGATGCTGACCCCT-3'
Protein context (NP_004647.1, residues 712-729): QRKPDRRKRS[Arg722=]PYKAKRQ